The following is an entry in ClinVar:

ClinVar aggregate classification (germline): Uncertain significance (0 of 4 stars; one submission).

Conditions:
TIAM1-related disorder. Also called: TIAM1-related condition.

Submission:

PreventionGenetics, part of Exact Sciences
Classification: Uncertain significance for TIAM1-related condition. Last evaluated: 2024-01-09. Review status: no assertion criteria provided. Collection method: clinical testing. Allele origin: germline.
Comment: The TIAM1 c.1643C>G variant is predicted to result in the amino acid substitution p.Thr548Ser. To our knowledge, this variant has not been reported in the literature or in a large population database, indicating this variant is rare. At this time, the clinical significance of this variant is uncertain due to the absence of conclusive functional and genetic evidence.

NM_001353694.2(TIAM1):c.1643C>G (p.Thr548Ser)

Gene: TIAM1 (TIAM Rac1 associated GEF 1; minus strand). Cytogenetic location: 21q22.11.
Variant type: single nucleotide variant.
Coding change: c.1643C>G on transcript NM_001353694.2 (MANE Select); coding-DNA position 1643, C replaced by G.
Protein change: p.Thr548Ser; replaces threonine 548 with serine.
Molecular consequence: missense variant.
Genome position (GRCh38, 1-based): chr21:31,225,892, G>C on the plus strand (C>G on the coding strand, the complement: TIAM1 is on the minus strand). VCF-style: chr21-31225892-G-C. GRCh37 (hg19) VCF-style: chr21-32598208-G-C.
Other names: c.1643C>G, p.Thr548Ser (NM_001353686.2, NM_001353687.2, NM_001353688.1 and 6 more transcripts); short protein forms T548S.
Identifiers: ClinVar variation 3054150 (VCV003054150.2), dbSNP rs2516922982, ClinGen allele CA410046314.